The following is an entry in ClinVar:

ClinVar aggregate classification (germline): Pathogenic (1 of 4 stars; one submission).

Conditions:
Hereditary cancer-predisposing syndrome. Also called: Neoplastic Syndromes, Hereditary; Tumor predisposition; Hereditary Cancer Syndrome; Hereditary neoplastic syndrome. Identifiers: Orphanet 140162, MedGen C0027672, MeSH D009386, MONDO:0015356.

Submission:

Ambry Genetics
Classification: Pathogenic for Hereditary cancer-predisposing syndrome. Last evaluated: 2015-03-25. Review status: criteria provided, single submitter. Criteria: Ambry Variant Classification Scheme 2023. Collection method: clinical testing. Allele origin: germline.
Comment: The p.Y103* pathogenic mutation (also known as c.309T>G), located in coding exon 3 of the BMPR1A gene, results from a T to G substitution at nucleotide position 309. This changes the amino acid from a tyrosine to a stop codon within coding exon 3. Since premature stop codons are typically deleterious in nature, this alteration is interpreted as a disease-causing mutation (ACMG Recommendations for Standards for Interpretation and Reporting of Sequence Variations. Revision 2007. Genet Med. 2008;10:294).

NM_004329.3(BMPR1A):c.309T>G (p.Tyr103Ter)

Gene: BMPR1A (bone morphogenetic protein receptor type 1A; plus strand). Cytogenetic location: 10q23.2.
Variant type: single nucleotide variant.
Coding change: c.309T>G on transcript NM_004329.3 (MANE Select); coding-DNA position 309, T replaced by G.
Protein change: p.Tyr103Ter; replaces tyrosine 103 with a stop codon.
Molecular consequence: nonsense.
Genome position (GRCh38, 1-based): chr10:86,892,205, T>G. VCF-style: chr10-86892205-T-G. GRCh37 (hg19) VCF-style: chr10-88651962-T-G.
Other names: short protein forms Y103*.
Identifiers: ClinVar variation 230999 (VCV000230999.5), dbSNP rs876658891, ClinGen allele CA10578876.